The following is an entry in ClinVar:

NM_053025.4(MYLK):c.644T>C (p.Met215Thr)

Gene: MYLK (myosin light chain kinase; minus strand). Cytogenetic location: 3q21.1.
Variant type: single nucleotide variant.
Coding change: c.644T>C on transcript NM_053025.4 (MANE Select); coding-DNA position 644, T replaced by C.
Protein change: p.Met215Thr; replaces methionine 215 with threonine.
Molecular consequence: missense variant.
Genome position (GRCh38, 1-based): chr3:123,737,488, A>G on the plus strand (T>C on the coding strand, the complement: MYLK is on the minus strand). VCF-style: chr3-123737488-A-G. GRCh37 (hg19) VCF-style: chr3-123456335-A-G.
Other names: c.644T>C (NM_053025.3); c.116T>C, p.Met39Thr (NM_001321309.2); c.644T>C, p.Met215Thr (NM_053026.4, NM_053027.4, NM_053028.4); short protein forms M215T, M39T.
Identifiers: ClinVar variation 3730289 (VCV003730289.3).

ClinVar aggregate classification (germline): Uncertain significance. Review status: criteria provided, multiple submitters, no conflicts (2 of 4 stars). 2 submissions from 2 submitters: Uncertain significance (2). Last evaluated 2025-02-04.

Conditions:
Aortic aneurysm, familial thoracic 7 (AAT7). Also called: AORTIC DISSECTION, FAMILIAL, WITH OR WITHOUT AORTIC ANEURYSM. Identifiers: MedGen C3151077, MONDO:0013418, OMIM 613780.
Familial thoracic aortic aneurysm and aortic dissection (TAAD). Also called: Thoracic aortic aneurysms and dissections. Identifiers: Orphanet 91387, MedGen C4707243, MONDO:0019625.

gnomAD v4.1: 1 of 1,614,214 alleles (0.000062%); highest among the groups gnomAD compares: African/African-American, 0.0013%; no homozygotes.

Submissions (2):

Ambry Genetics
Classification: Uncertain significance for Familial thoracic aortic aneurysm and aortic dissection. Last evaluated: 2025-02-04. Review status: criteria provided, single submitter. Criteria: Ambry Variant Classification Scheme 2023. Collection method: clinical testing. Allele origin: germline.
Comment: The p.M215T variant (also known as c.644T>C), located in coding exon 5 of the MYLK gene, results from a T to C substitution at nucleotide position 644. The methionine at codon 215 is replaced by threonine, an amino acid with similar properties. This amino acid position is conserved. In addition, this alteration is predicted to be tolerated by in silico analysis. Based on the available evidence, the clinical significance of this variant remains unclear.

Labcorp Genetics (formerly Invitae), Labcorp
Classification: Uncertain significance for Aortic aneurysm, familial thoracic 7. Last evaluated: 2024-12-15. Review status: criteria provided, single submitter. Criteria: Invitae Variant Classification Sherloc (09022015). Collection method: clinical testing. Allele origin: germline.
Comment: This sequence change replaces methionine, which is neutral and non-polar, with threonine, which is neutral and polar, at codon 215 of the MYLK protein (p.Met215Thr). This variant is not present in population databases (gnomAD no frequency). This variant has not been reported in the literature in individuals affected with MYLK-related conditions. Invitae Evidence Modeling of protein sequence and biophysical properties (such as structural, functional, and spatial information, amino acid conservation, physicochemical variation, residue mobility, and thermodynamic stability) indicates that this missense variant is not expected to disrupt MYLK protein function with a negative predictive value of 95%. In summary, the available evidence is currently insufficient to determine the role of this variant in disease. Therefore, it has been classified as a Variant of Uncertain Significance.